The following is an entry in ClinVar:

NM_022436.3(ABCG5):c.1898C>G (p.Ala633Gly)

Genes: ABCG5 (ATP binding cassette subfamily G member 5; minus strand), DYNC2LI1 (dynein cytoplasmic 2 light intermediate chain 1; plus strand). Cytogenetic location: 2p21.
Variant type: single nucleotide variant.
Coding change: c.1898C>G on transcript NM_022436.3 (MANE Select); coding-DNA position 1898, C replaced by G.
Protein change: p.Ala633Gly; replaces alanine 633 with glycine.
Molecular consequence: missense variant. On other transcripts: intron variant (2).
Genome position (GRCh38, 1-based): chr2:43,813,174, G>C on the plus strand (C>G on the coding strand, the complement: ABCG5 is on the minus strand). VCF-style: chr2-43813174-G-C. GRCh37 (hg19) VCF-style: chr2-44040313-G-C.
Other names: c.*15+2650G>C (NM_001348913.2, NM_001348912.2); short protein forms A633G.
Identifiers: ClinVar variation 1782202 (VCV001782202.3), dbSNP rs1393135701, ClinGen allele CA346661894.
Genomic context (GRCh38, chr2:43,813,174, plus strand): 5'-CACTACCTGCTAATGAGATGATCCCTTATTTTGAAAACAACTATTCCTAGGATGACAAGA[G>C]CTGGAATAAATGAATACAAAATCAGAAAGTTCATTGTGAATCTAGATGTTGCACCTGGGC-3'
Protein context (NP_071881.1, residues 623-643): NFLILYSFIP[Ala633Gly]LVILGIVVFK

ClinVar aggregate classification (germline): Uncertain significance (1 of 4 stars; one submission).

Conditions:
Cardiovascular phenotype. Identifiers: MedGen CN230736.

Allele frequency attached by ClinVar (database versions not stated): gnomAD 0.00001; TOPMed 0.00001.

Submission:

Ambry Genetics
Classification: Uncertain significance for Cardiovascular phenotype. Last evaluated: 2025-08-06. Review status: criteria provided, single submitter. Criteria: Ambry Variant Classification Scheme 2023. Collection method: clinical testing. Allele origin: germline.
Comment: The p.A633G variant (also known as c.1898C>G), located in coding exon 13 of the ABCG5 gene, results from a C to G substitution at nucleotide position 1898. The alanine at codon 633 is replaced by glycine, an amino acid with similar properties. This amino acid position is conserved. In addition, this alteration is predicted to be tolerated by in silico analysis. Since supporting evidence is limited at this time, the clinical significance of this alteration remains unclear.